The following is an entry in ClinVar:

ClinVar aggregate classification (germline): Uncertain significance (1 of 4 stars; one submission).

Conditions:
Recessive dystrophic epidermolysis bullosa (RDEB). Also called: epidermolysis bullosa dystrophica, autosomal recessive; Epidermolysis Bullosa Distrophica Autosomal Recessive (RDEB); DYSTROPHIC EPIDERMOLYSIS BULLOSA, AUTOSOMAL RECESSIVE; EPIDERMOLYSIS BULLOSA DYSTROPHICA, HALLOPEAU-SIEMENS TYPE; Recessive DEB (RDEB); Hallopeau-Siemens Disease. Identifiers: Orphanet 79408, Orphanet 79409, MedGen C0079474, MONDO:0009179, OMIM 226600.

Submission:

Myriad Genetics, Inc.
Classification: Uncertain significance for Recessive dystrophic epidermolysis bullosa. Last evaluated: 2026-04-20. Review status: criteria provided, single submitter. Criteria: Myriad Autosomal Dominant, Autosomal Recessive and X-Linked Classification Criteria (2023). Collection method: clinical testing. Allele origin: unknown.
Comment: NM_000094.3(COL7A1):c.8551_8553delGAG(E2851del) is an in-frame deletion classified as a variant of uncertain significance in the context of dystrophic epidermolysis bullosa. E2851del has not been observed in cases with relevant disease. Relevant functional assessments of this variant are not available in the literature. E2851del has not been observed in referenced population frequency databases. In summary, there is insufficient evidence to classify NM_000094.3(COL7A1):c.8551_8553delGAG(E2851del) as pathogenic or benign. Please note: this variant was assessed in the context of healthy population screening.

NM_000094.4(COL7A1):c.8551_8553del (p.Glu2851del)

Gene: COL7A1 (collagen type VII alpha 1 chain; minus strand). Cytogenetic location: 3p21.31.
Variant type: Deletion.
Coding change: c.8551_8553del on transcript NM_000094.4 (MANE Select); coding-DNA positions 8551 to 8553, 3 bases deleted (GAG; older notation c.8551_8553delGAG).
Protein change: p.Glu2851del; deletes glutamic acid 2851.
Molecular consequence: inframe deletion.
Genome position (GRCh38, 1-based): chr3:48,565,176-48,565,178, CTC deleted on the plus strand (GAG on the coding strand, the reverse complement: COL7A1 is on the minus strand). VCF-style (leftmost placement, unchanged base first): chr3-48565175-ACTC-A. GRCh37 (hg19) VCF-style: chr3-48602608-ACTC-A.
Other names: short protein forms E2851del.
Identifiers: ClinVar variation 5003920 (VCV005003920.1).